The following is an entry in ClinVar:

ClinVar aggregate classification (germline): Uncertain significance (1 of 4 stars; one submission).

Submission:

Dasa
Classification: Uncertain significance. Last evaluated: 2025-10-05. Review status: criteria provided, single submitter. Criteria: DASA Assertion Criteria. Collection method: clinical testing. Allele origin: germline.
Comment: NM_001394062.1(MACF1):c.19393C>T (p.Leu6465Phe) is a missense variant that results in the substitution of leucine with phenylalanine. This variant is absent from population databases. Computational prediction algorithms are consistent with a benign effect. The currently available literature and clinical evidence are not sufficient to establish a definitive association between this variant and the reported condition. Therefore, this variant is classified as a variant of uncertain significance.

NM_001394062.1(MACF1):c.19393C>T (p.Leu6465Phe)

Gene: MACF1 (microtubule actin crosslinking factor 1; plus strand). Cytogenetic location: 1p34.3.
Variant type: single nucleotide variant.
Coding change: c.19393C>T on transcript NM_001394062.1 (MANE Select); coding-DNA position 19393, C replaced by T.
Protein change: p.Leu6465Phe; replaces leucine 6465 with phenylalanine.
Molecular consequence: missense variant.
Genome position (GRCh38, 1-based): chr1:39,443,536, C>T. VCF-style: chr1-39443536-C-T. GRCh37 (hg19) VCF-style: chr1-39909208-C-T.
Other names: c.7471C>T, p.Leu2491Phe (NM_001397473.1); c.13216C>T, p.Leu4406Phe (NM_012090.5); short protein forms L2491F, L4406F, L6465F.
Identifiers: ClinVar variation 4885197 (VCV004885197.2).